The following is an entry in ClinVar:

ClinVar aggregate classification (germline): Uncertain significance. Review status: criteria provided, multiple submitters, no conflicts (2 of 4 stars). 2 submissions from 2 submitters: Uncertain significance (2). Last evaluated 2025-12-25.

Allele frequency attached by ClinVar (database versions not stated): ExAC 0.00004; gnomAD 0.00004; TOPMed 0.00006; gnomAD exomes 0.00011.
gnomAD v4.1: 157 of 1,614,054 alleles (0.0097%); highest among the groups gnomAD compares: Non-Finnish European, 0.013%; no homozygotes.

Submissions (2):

Labcorp Genetics (formerly Invitae), Labcorp
Classification: Uncertain significance. Last evaluated: 2025-12-25. Review status: criteria provided, single submitter. Criteria: Invitae Variant Classification Sherloc (09022015). Collection method: clinical testing. Allele origin: germline.
Comment: This sequence change replaces arginine, which is basic and polar, with cysteine, which is neutral and slightly polar, at codon 951 of the ATP4A protein (p.Arg951Cys). This variant is present in population databases (rs769093964, gnomAD 0.01%). This variant has not been reported in the literature in individuals affected with ATP4A-related conditions. ClinVar contains an entry for this variant (Variation ID: 2509402). Invitae Evidence Modeling of protein sequence and biophysical properties (such as structural, functional, and spatial information, amino acid conservation, physicochemical variation, residue mobility, and thermodynamic stability) indicates that this missense variant is expected to disrupt ATP4A protein function with a positive predictive value of 80%. In summary, the available evidence is currently insufficient to determine the role of this variant in disease. Therefore, it has been classified as a Variant of Uncertain Significance.

Ambry Genetics
Classification: Uncertain significance. Last evaluated: 2023-04-11. Review status: criteria provided, single submitter. Criteria: Ambry Variant Classification Scheme 2023. Collection method: clinical testing. Allele origin: germline.

NM_000704.3(ATP4A):c.2851C>T (p.Arg951Cys)

Gene: ATP4A (ATPase H+/K+ transporting subunit alpha; minus strand). Cytogenetic location: 19q13.12.
Variant type: single nucleotide variant.
Coding change: c.2851C>T on transcript NM_000704.3 (MANE Select); coding-DNA position 2851, C replaced by T.
Protein change: p.Arg951Cys; replaces arginine 951 with cysteine.
Molecular consequence: missense variant.
Genome position (GRCh38, 1-based): chr19:35,551,481, G>A on the plus strand (C>T on the coding strand, the complement: ATP4A is on the minus strand). VCF-style: chr19-35551481-G-A. GRCh37 (hg19) VCF-style: chr19-36042383-G-A.
Other names: short protein forms R951C.
Identifiers: ClinVar variation 2509402 (VCV002509402.3), dbSNP rs769093964, ClinGen allele CA9380652.
Genomic context (GRCh38, chr19:35,551,481, plus strand): 5'-GCAGGAAGAGGGCCAGCCAGGGACACCTGAAGAAGCCTTGCTGGAAGGCAGAGAGACGGC[G>A]CGTCTTGCGGATGAGGACATCGGCGATCTGGCACACCTCAATGCTGATGAAGAACACGGT-3'
Protein context (NP_000695.2, residues 941-961): QIADVLIRKT[Arg951Cys]RLSAFQQGFF